The following is an entry in ClinVar:

NM_001113491.2(SEPTIN9):c.1469A>T (p.Lys490Met)

Gene: SEPTIN9 (septin 9; plus strand). Cytogenetic location: 17q25.3.
Variant type: single nucleotide variant.
Coding change: c.1469A>T on transcript NM_001113491.2 (MANE Select); coding-DNA position 1469, A replaced by T.
Protein change: p.Lys490Met; replaces lysine 490 with methionine.
Molecular consequence: missense variant.
Genome position (GRCh38, 1-based): chr17:77,492,709, A>T. VCF-style: chr17-77492709-A-T. GRCh37 (hg19) VCF-style: chr17-75488791-A-T.
Other names: c.977A>T, p.Lys326Met (NM_001113492.2, NM_001113494.1); c.1448A>T, p.Lys483Met (NM_001113493.2); c.716A>T, p.Lys239Met (NM_001113495.2, NM_001113496.2, NM_001293697.2 and 1 more transcripts); c.1412A>T, p.Lys471Met (NM_001293695.2); c.797A>T, p.Lys266Met (NM_001293696.2); c.1415A>T, p.Lys472Met (NM_006640.5); c.1415A>T (NM_006640.4); short protein forms K239M, K266M, K326M, K471M, K472M, K483M, K490M.
Identifiers: ClinVar variation 2445468 (VCV002445468.5), dbSNP rs371026410, ClinGen allele CA8793805.
Genomic context (GRCh38, chr17:77,492,709, plus strand): 5'-TCGACGTGTACCCCCAGAAGGAATTTGATGAGGACTCGGAGGACCGGCTGGTGAACGAGA[A>T]GTTCCGGGTGAGTGGATCCACTAGGATGTTGTTCCCAGGGGACCCCCAGTTCCTGCTGAA-3'
Protein context (NP_001106963.1, residues 480-500): EDSEDRLVNE[Lys490Met]FREMIPFAVV

ClinVar aggregate classification (germline): Uncertain significance. Review status: criteria provided, multiple submitters, no conflicts (2 of 4 stars). 2 submissions from 2 submitters: Uncertain significance (2). Last evaluated 2025-12-02.

Conditions:
Inborn genetic diseases. Identifiers: MedGen C0950123, MeSH D030342.

Allele frequency attached by ClinVar (database versions not stated): gnomAD 0.00002; TOPMed 0.00002; ExAC 0.00004; gnomAD exomes 0.00004; ESP Exome Variant Server 0.00008.
gnomAD v4.1: 70 of 1,613,762 alleles (0.0043%); highest among the groups gnomAD compares: Non-Finnish European, 0.0055%; no homozygotes.

Submissions (2):

Ambry Genetics
Classification: Uncertain significance for Inborn genetic diseases. Last evaluated: 2025-12-02. Review status: criteria provided, single submitter. Criteria: Ambry Variant Classification Scheme 2023. Collection method: clinical testing. Allele origin: germline.

Labcorp Genetics (formerly Invitae), Labcorp
Classification: Uncertain significance. Last evaluated: 2024-01-29. Review status: criteria provided, single submitter. Criteria: Invitae Variant Classification Sherloc (09022015). Collection method: clinical testing. Allele origin: germline.
Comment: This sequence change replaces lysine, which is basic and polar, with methionine, which is neutral and non-polar, at codon 472 of the SEPT9 protein (p.Lys472Met). This variant is present in population databases (rs371026410, gnomAD 0.006%). This variant has not been reported in the literature in individuals affected with SEPT9-related conditions. ClinVar contains an entry for this variant (Variation ID: 2445468). Advanced modeling of protein sequence and biophysical properties (such as structural, functional, and spatial information, amino acid conservation, physicochemical variation, residue mobility, and thermodynamic stability) has been performed at Invitae for this missense variant, however the output from this modeling did not meet the statistical confidence thresholds required to predict the impact of this variant on SEPT9 protein function. In summary, the available evidence is currently insufficient to determine the role of this variant in disease. Therefore, it has been classified as a Variant of Uncertain Significance.